The following is an entry in ClinVar:

ClinVar aggregate classification (germline): Uncertain significance (1 of 4 stars; one submission).

Conditions:
Progressive microcephaly-seizures-cortical blindness-developmental delay syndrome. Also called: Seizures, cortical blindness, and microcephaly syndrome. Identifiers: Orphanet 477814, MedGen C5567650, MONDO:0014714, OMIM 616632.
Autosomal dominant nonsyndromic hearing loss 1. Also called: KONIGSMARK SYNDROME; DEAFNESS, AUTOSOMAL DOMINANT 1, WITH OR WITHOUT THROMBOCYTOPENIA. Identifiers: Orphanet 90635, MedGen C1852282, MONDO:0007424, OMIM 124900.

Submission:

Labcorp Genetics (formerly Invitae), Labcorp
Classification: Uncertain significance for Progressive microcephaly-seizures-cortical blindness-developmental delay syndrome; Autosomal dominant nonsyndromic hearing loss 1. Last evaluated: 2023-10-05. Review status: criteria provided, single submitter. Criteria: Invitae Variant Classification Sherloc (09022015). Collection method: clinical testing. Allele origin: germline.
Comment: This variant, c.1840_1860dup, results in the insertion of 7 amino acid(s) of the DIAPH1 protein (p.Pro614_Pro620dup), but otherwise preserves the integrity of the reading frame. This variant is not present in population databases (gnomAD no frequency). This variant has not been reported in the literature in individuals affected with DIAPH1-related conditions. In summary, the available evidence is currently insufficient to determine the role of this variant in disease. Therefore, it has been classified as a Variant of Uncertain Significance.

NM_005219.5(DIAPH1):c.1840_1860dup (p.Pro620_Leu621insProProProProProProPro)

Gene: DIAPH1 (diaphanous related formin 1; minus strand). Cytogenetic location: 5q31.3.
Variant type: Duplication.
Coding change: c.1840_1860dup on transcript NM_005219.5 (MANE Select); coding-DNA positions 1840 to 1860, 21 bases duplicated (CCTCCTCCTCCTCCACCTCCT).
Protein change: p.Pro620_Leu621insProProProProProProPro.
Molecular consequence: inframe insertion.
Genome position (GRCh38, 1-based): chr5:141,573,990-141,574,010, AGGAGGTGGAGGAGGAGGAGG duplicated on the plus strand (CCTCCTCCTCCTCCACCTCCT on the coding strand, the reverse complement: DIAPH1 is on the minus strand); duplicating any 21 consecutive bases within chr5:141,573,990-141,574,016 gives the same sequence; the c. name uses the placement nearest the transcript's 3' end. VCF-style (leftmost placement, unchanged base first): chr5-141573989-A-AAGGAGGTGGAGGAGGAGGAGG. GRCh37 (hg19) VCF-style: chr5-140953556-A-AAGGAGGTGGAGGAGGAGGAGG.
Other names: c.1813_1833dup, p.Pro611_Leu612insProProProProProProPro (NM_001079812.3); c.1840_1860dup, p.Pro620_Leu621insProProProProProProPro (NM_001314007.2).
Identifiers: ClinVar variation 2940856 (VCV002940856.3), dbSNP rs2513741233, ClinGen allele CA2675691813.
Genomic context (GRCh38, chr5:141,573,989, plus strand): 5'-GAGAGATAGCAGTACCTCCAGGTAAAGAAGGGGGTGAGGAGATGCAAACACCCCCAGGCA[A>AAGGAGGTGGAGGAGGAGGAGG]AGGAGGTGGAGGAGGAGGAGGAGGAGGAGGAGGAGGAGGAGTGGTACTATCCCCAGGAGC-3'